The following is an entry in ClinVar:

ClinVar aggregate classification (germline): Pathogenic (1 of 4 stars; one submission).

Conditions:
LAMA2-related muscular dystrophy (LAMA2-RD). Also called: Laminin alpha 2-related dystrophy. Identifiers: MedGen C5679788, MONDO:0100228.

Submission:

Labcorp Genetics (formerly Invitae), Labcorp
Classification: Pathogenic for LAMA2-related muscular dystrophy. Last evaluated: 2022-07-11. Review status: criteria provided, single submitter. Criteria: Invitae Variant Classification Sherloc (09022015). Collection method: clinical testing. Allele origin: germline.
Comment: For these reasons, this variant has been classified as Pathogenic. ClinVar contains an entry for this variant (Variation ID: 1458826). This variant has not been reported in the literature in individuals affected with LAMA2-related conditions. This variant is not present in population databases (gnomAD no frequency). This sequence change creates a premature translational stop signal (p.Lys2996*) in the LAMA2 gene. It is expected to result in an absent or disrupted protein product. Loss-of-function variants in LAMA2 are known to be pathogenic (PMID: 18700894, 32904964).

Literature cited by the submitters: PubMed 18700894; PubMed 32904964.

NM_000426.4(LAMA2):c.8986A>T (p.Lys2996Ter)

Gene: LAMA2 (laminin subunit alpha 2; plus strand). Cytogenetic location: 6q22.33.
Variant type: single nucleotide variant.
Coding change: c.8986A>T on transcript NM_000426.4 (MANE Select); coding-DNA position 8986, A replaced by T.
Protein change: p.Lys2996Ter; replaces lysine 2996 with a stop codon.
Molecular consequence: nonsense.
Genome position (GRCh38, 1-based): chr6:129,512,491, A>T. VCF-style: chr6-129512491-A-T. GRCh37 (hg19) VCF-style: chr6-129833636-A-T.
Other names: c.8974A>T, p.Lys2992Ter (NM_001079823.2); short protein forms K2992*, K2996*.
Identifiers: ClinVar variation 1458826 (VCV001458826.6), dbSNP rs2114931240, ClinGen allele CA365636319.